The following is an entry in ClinVar:

NM_000081.4(LYST):c.8617T>C (p.Phe2873Leu)

Gene: LYST (lysosomal trafficking regulator; minus strand). Cytogenetic location: 1q42.3.
Variant type: single nucleotide variant.
Coding change: c.8617T>C on transcript NM_000081.4 (MANE Select); coding-DNA position 8617, T replaced by C.
Protein change: p.Phe2873Leu; replaces phenylalanine 2873 with leucine.
Molecular consequence: missense variant.
Genome position (GRCh38, 1-based): chr1:235,733,687, A>G on the plus strand (T>C on the coding strand, the complement: LYST is on the minus strand). VCF-style: chr1-235733687-A-G. GRCh37 (hg19) VCF-style: chr1-235896987-A-G.
Other names: c.8617T>C, p.Phe2873Leu (NM_001301365.1); short protein forms F2873L.
Identifiers: ClinVar variation 1717564 (VCV001717564.5), dbSNP rs750794054, ClinGen allele CA39599052.

ClinVar aggregate classification (germline): Uncertain significance (1 of 4 stars; one submission).

Conditions:
Chédiak-Higashi syndrome (CHS). Also called: Chediak-Higashi Syndrome. Identifiers: Orphanet 167, MedGen C0007965, MONDO:0008963, OMIM 214500.

Allele frequency attached by ClinVar (database versions not stated): gnomAD exomes below 0.00001; TOPMed below 0.00001.
gnomAD v4.1: 1 of 1,611,988 alleles (0.000062%); highest among the groups gnomAD compares: Non-Finnish European, 0.000085%; no homozygotes.

Submission:

Labcorp Genetics (formerly Invitae), Labcorp
Classification: Uncertain significance for Chédiak-Higashi syndrome. Last evaluated: 2022-08-22. Review status: criteria provided, single submitter. Criteria: Invitae Variant Classification Sherloc (09022015). Collection method: clinical testing. Allele origin: germline.
Comment: In summary, the available evidence is currently insufficient to determine the role of this variant in disease. Therefore, it has been classified as a Variant of Uncertain Significance. Algorithms developed to predict the effect of missense changes on protein structure and function are either unavailable or do not agree on the potential impact of this missense change (SIFT: "Tolerated"; PolyPhen-2: "Probably Damaging"; Align-GVGD: "Class C0"). This variant has not been reported in the literature in individuals affected with LYST-related conditions. This variant is not present in population databases (gnomAD no frequency). This sequence change replaces phenylalanine, which is neutral and non-polar, with leucine, which is neutral and non-polar, at codon 2873 of the LYST protein (p.Phe2873Leu).